The following is an entry in ClinVar:

ClinVar aggregate classification (germline): Uncertain significance (1 of 4 stars; one submission).

Conditions:
Capillary malformation-arteriovenous malformation syndrome. Also called: Capillary malformation-arteriovenous malformation. Identifiers: Orphanet 137667, MedGen C1842180, MONDO:0012016.

Submission:

Labcorp Genetics (formerly Invitae), Labcorp
Classification: Uncertain significance for Capillary malformation-arteriovenous malformation syndrome. Last evaluated: 2025-09-18. Review status: criteria provided, single submitter. Criteria: Invitae Variant Classification Sherloc (09022015). Collection method: clinical testing. Allele origin: germline.
Comment: This variant, c.1017delinsTTAC, results in the insertion of 1 amino acid of the RASA1 protein (p.Val339_Gly340insTyr), but otherwise preserves the integrity of the reading frame. This variant also falls at the last nucleotide of exon 5, which is part of the consensus splice site for this exon. Information on the frequency of this variant in the gnomAD database is not available, as this variant may be reported differently in the database. This variant has not been reported in the literature in individuals affected with RASA1-related conditions. Experimental studies and prediction algorithms are not available or were not evaluated, and the functional significance of this variant is currently unknown. Variants that disrupt the consensus splice site are a relatively common cause of aberrant splicing (PMID: 17576681, 9536098). In summary, the available evidence is currently insufficient to determine the role of this variant in disease. Therefore, it has been classified as a Variant of Uncertain Significance.

Literature cited by the submitters: PubMed 17576681; PubMed 9536098.

NM_002890.3(RASA1):c.1017delinsTTAC (p.Val339_Gly340insTyr)

Genes: CCNH (cyclin H; minus strand), RASA1 (RAS p21 protein activator 1; plus strand). Cytogenetic location: 5q14.3.
Variant type: Indel.
Coding change: c.1017delinsTTAC on transcript NM_002890.3 (MANE Select); coding-DNA position 1017, G replaced by TTAC.
Protein change: p.Val339_Gly340insTyr.
Molecular consequence: inframe insertion. On other transcripts: intron variant (1).
Genome position (GRCh38, 1-based): chr5:87,338,091, G replaced by TTAC. VCF-style: chr5-87338091-G-TTAC. GRCh37 (hg19) VCF-style: chr5-86633908-G-TTAC.
Other names: c.486delinsTTAC, p.Val162_Gly163insTyr (NM_022650.3); c.934-25296delinsGTAA (NM_001364075.2).
Identifiers: ClinVar variation 972332 (VCV000972332.7), dbSNP rs1758104033, ClinGen allele CA1139658947.